The following is an entry in ClinVar:

ClinVar aggregate classification (germline): Uncertain significance. Review status: criteria provided, multiple submitters, no conflicts (2 of 4 stars). 2 submissions from 2 submitters: Uncertain significance (2). Last evaluated 2025-02-06.

Conditions:
CENPF-related disorder. Also called: CENPF-related condition.
Inborn genetic diseases. Identifiers: MedGen C0950123, MeSH D030342.

Allele frequency attached by ClinVar (database versions not stated): ESP Exome Variant Server 0.00008; ExAC 0.00012.

Submissions (2):

PreventionGenetics, part of Exact Sciences
Classification: Uncertain significance for CENPF-related condition. Last evaluated: 2025-02-06. Review status: criteria provided, single submitter. Criteria: ACMG Guidelines, 2015. Collection method: clinical testing. Allele origin: germline.
Comment: The CENPF c.619A>G variant is predicted to result in the amino acid substitution p.Ile207Val. To our knowledge, this variant has not been reported in the literature. This variant is reported in 0.029% of alleles in individuals of European (non-Finnish) descent in gnomAD. At this time, the clinical significance of this variant is uncertain due to the absence of conclusive functional and genetic evidence.

Ambry Genetics
Classification: Uncertain significance for Inborn genetic diseases. Last evaluated: 2023-12-28. Review status: criteria provided, single submitter. Criteria: Ambry Variant Classification Scheme 2023. Collection method: clinical testing. Allele origin: germline.

NM_016343.4(CENPF):c.619A>G (p.Ile207Val)

Gene: CENPF (centromere protein F; plus strand). Cytogenetic location: 1q41.
Variant type: single nucleotide variant.
Coding change: c.619A>G on transcript NM_016343.4 (MANE Select); coding-DNA position 619, A replaced by G.
Protein change: p.Ile207Val; replaces isoleucine 207 with valine.
Molecular consequence: missense variant.
Genome position (GRCh38, 1-based): chr1:214,620,700, A>G. VCF-style: chr1-214620700-A-G. GRCh37 (hg19) VCF-style: chr1-214794043-A-G.
Other names: short protein forms I207V.
Identifiers: ClinVar variation 2367942 (VCV002367942.3), dbSNP rs141779900, ClinGen allele CA1389814.
Genomic context (GRCh38, chr1:214,620,700, plus strand): 5'-ATTCTGTTTCTACAGAAAGCAAGCCAGACTCTTCCACAAGCCACCATGAATCACCGCGAC[A>G]TTGCCCGGCATCAGGCTTCATCATCTGTGTTCTCATGGCAGCAAGAGAAGACCCCAAGTC-3'
Protein context (NP_057427.3, residues 197-217): LPQATMNHRD[Ile207Val]ARHQASSSVF